The following is an entry in ClinVar:

ClinVar aggregate classification (germline): Conflicting classifications of pathogenicity. Review status: criteria provided, conflicting classifications (1 of 4 stars). 2 submissions from 2 submitters: Pathogenic (1); Uncertain significance (1). Last evaluated 2019-08-22.

Conditions:
Familial thoracic aortic aneurysm and aortic dissection (TAAD). Also called: Thoracic aortic aneurysms and dissections. Identifiers: Orphanet 91387, MedGen C4707243, MONDO:0019625.
Marfan syndrome (MFS). Also called: FBN1-Related Marfan Syndrome; Marfan syndrome type 1; Marfan's syndrome; Marfan syndrome, classic; MARFAN SYNDROME, TYPE I. Identifiers: Orphanet 284963, Orphanet 558, MedGen C0024796, MONDO:0007947, OMIM 154700.
Weill-Marchesani syndrome 2, dominant. Also called: Weill-Marchesani Syndrome, Autosomal Dominant; FBN1-Related Weill-Marchesani Syndrome. Identifiers: Orphanet 2084, MedGen C1869115, MONDO:0012013, OMIM 608328.
Progeroid and marfanoid aspect-lipodystrophy syndrome. Also called: Marfan lipodystrophy syndrome; MARFANOID-PROGEROID SYNDROME; MARFAN-PROGEROID-LIPODYSTROPHY SYNDROME; MARFANOID-PROGEROID-LIPODYSTROPHY SYNDROME. Identifiers: Orphanet 300382, MedGen C4310796, MONDO:0014831, OMIM 616914.
Stiff skin syndrome (SSKS). Identifiers: Orphanet 2833, MedGen C1861456, MONDO:0008492, OMIM 184900.
Acromicric dysplasia (ACMICD). Also called: Acromicric skeletal dysplasia. Identifiers: Orphanet 969, MedGen C0265287, MONDO:0007055, OMIM 102370.
Geleophysic dysplasia 2 (GPHYSD2). Identifiers: Orphanet 2623, MedGen C3280054, MONDO:0013612, OMIM 614185.
Ectopia lentis 1, isolated, autosomal dominant (ECTOL1). Identifiers: Orphanet 1885, MedGen C3541518, MONDO:0007514, OMIM 129600.
MASS syndrome (OCTD). Also called: MASS PHENOTYPE; OVERLAP CONNECTIVE TISSUE DISEASE. Identifiers: MedGen C1858556, MONDO:0011431, OMIM 604308.

Submissions (2):

Labcorp Genetics (formerly Invitae), Labcorp
Classification: Pathogenic for Marfan syndrome; Familial thoracic aortic aneurysm and aortic dissection. Last evaluated: 2019-08-22. Review status: criteria provided, single submitter. Criteria: Invitae Variant Classification Sherloc (09022015). Collection method: clinical testing. Allele origin: germline.
Comment: This sequence change replaces cysteine with arginine at codon 2663 of the FBN1 protein (p.Cys2663Arg). The cysteine residue is highly conserved and there is a large physicochemical difference between cysteine and arginine. This variant is not present in population databases (ExAC no frequency). This variant has been observed in individuals affected with FBN1-related conditions (PMID: 27906200, Invitae). ClinVar contains an entry for this variant (Variation ID: 576623). This variant affects a cysteine residue in the EGF-like, TGFBP or hybrid motif domains of FBN1. Cysteine residues are believed to be involved in intramolecular disulfide bridges and have been shown to be important for FBN1 protein structure (PMID: 16905551, 19349279). In addition, missense substitutions affecting cysteine residues within these domains are significantly overrepresented among patients with Marfan syndrome (PMID: 16571647, 17701892). This variant disrupts the p.Cys2663 amino acid residue in FBN1. Other variant(s) that disrupt this residue have been observed in individuals with FBN1-related conditions (PMID: 26787436, 28855619, 15221638), which suggests that this may be a clinically significant amino acid residue. For these reasons, this variant has been classified as Pathogenic.

Juno Genomics, Hangzhou Juno Genomics, Inc
Classification: Uncertain significance for Acromicric dysplasia; Ectopia lentis 1, isolated, autosomal dominant; Marfan syndrome; Stiff skin syndrome; MASS syndrome; Weill-Marchesani syndrome 2, dominant; Geleophysic dysplasia 2; Progeroid and marfanoid aspect-lipodystrophy syndrome. Review status: criteria provided, single submitter. Criteria: ACMG Guidelines, 2015. Collection method: clinical testing. Allele origin: germline. Affected: yes.
Comment: Absent from controls (or at extremely low frequency if recessive) in Genome Aggregation Database, Exome Sequencing Project, 1000 Genomes Project, or Exome Aggregation Consortium.;Multiple lines of computational evidence support a deleterious effect on the gene or gene product (conservation, evolutionary, splicing impact, etc).

Literature cited by the submitters: PubMed 27906200 (cited by Labcorp Genetics (formerly Invitae), Labcorp); PubMed 16905551 (cited by Labcorp Genetics (formerly Invitae), Labcorp); PubMed 19349279 (cited by Labcorp Genetics (formerly Invitae), Labcorp); PubMed 16571647 (cited by Labcorp Genetics (formerly Invitae), Labcorp); PubMed 17701892 (cited by Labcorp Genetics (formerly Invitae), Labcorp); PubMed 26787436 (cited by Labcorp Genetics (formerly Invitae), Labcorp); PubMed 28855619 (cited by Labcorp Genetics (formerly Invitae), Labcorp); PubMed 15221638 (cited by Labcorp Genetics (formerly Invitae), Labcorp).

NM_000138.5(FBN1):c.7987T>C (p.Cys2663Arg)

Gene: FBN1 (fibrillin 1; minus strand). Cytogenetic location: 15q21.1.
Variant type: single nucleotide variant.
Coding change: c.7987T>C on transcript NM_000138.5 (MANE Select); coding-DNA position 7987, T replaced by C.
Protein change: p.Cys2663Arg; replaces cysteine 2663 with arginine.
Molecular consequence: missense variant.
Genome position (GRCh38, 1-based): chr15:48,415,600, A>G on the plus strand (T>C on the coding strand, the complement: FBN1 is on the minus strand). VCF-style: chr15-48415600-A-G. GRCh37 (hg19) VCF-style: chr15-48707797-A-G.
Other names: short protein forms C2663R.
Identifiers: ClinVar variation 576623 (VCV000576623.12), dbSNP rs1566889870, ClinGen allele CA392322780.